The following is an entry in ClinVar:

NM_201384.3(PLEC):c.584C>A (p.Ala195Asp)

Gene: PLEC (plectin; minus strand). Cytogenetic location: 8q24.3.
Variant type: single nucleotide variant.
Coding change: c.584C>A on transcript NM_201384.3 (MANE Select); coding-DNA position 584, C replaced by A.
Protein change: p.Ala195Asp; replaces alanine 195 with aspartic acid.
Molecular consequence: missense variant.
Genome position (GRCh38, 1-based): chr8:143,935,866, G>T on the plus strand (C>A on the coding strand, the complement: PLEC is on the minus strand). VCF-style: chr8-143935866-G-T. GRCh37 (hg19) VCF-style: chr8-145010034-G-T.
Other names: c.665C>A (NM_000445.3); c.665C>A, p.Ala222Asp (NM_000445.5, NM_001410941.1); c.542C>A, p.Ala181Asp (NM_201378.4); c.518C>A, p.Ala173Asp (NM_201379.3); c.995C>A, p.Ala332Asp (NM_201380.4); c.488C>A, p.Ala163Asp (NM_201381.3); c.584C>A, p.Ala195Asp (NM_201382.4); c.596C>A, p.Ala199Asp (NM_201383.3); short protein forms A173D, A195D, A199D, A163D, A181D, A222D, A332D.
Identifiers: ClinVar variation 1984711 (VCV001984711.5), dbSNP rs782111264, ClinGen allele CA372588289.

ClinVar aggregate classification (germline): Uncertain significance. Review status: criteria provided, multiple submitters, no conflicts (2 of 4 stars). 2 submissions from 2 submitters: Uncertain significance (2). Last evaluated 2025-06-24.

Conditions:
Epidermolysis bullosa simplex 5B, with muscular dystrophy (EBS5B). Also called: EPIDERMOLYSIS BULLOSA SIMPLEX AND LIMB-GIRDLE MUSCULAR DYSTROPHY; Epidermolysis bullosa simplex with muscular dystrophy. Identifiers: Orphanet 257, MedGen C2931072, MONDO:0009181, OMIM 226670.
Epidermolysis bullosa simplex, Ogna type (EBS5A). Also called: EPIDERMOLYSIS BULLOSA SIMPLEX 5A, OGNA TYPE; Pidermolysis bullosa simplex 5A, Ogna type. Identifiers: Orphanet 79401, MedGen C0432317, MONDO:0007555, OMIM 131950.
Epidermolysis bullosa simplex 5C, with pyloric atresia (EBS5C). Also called: PLEC-Related Epidermolysis Bullosa with Pyloric Atresia; Epidermolysis bullosa simplex with pyloric atresia; PLEC1-Related Epidermolysis Bullosa with Pyloric Atresia. Identifiers: Orphanet 158684, MedGen C2677349, MONDO:0012807, OMIM 612138.
Autosomal recessive limb-girdle muscular dystrophy type 2Q (LGMDR17). Also called: MUSCULAR DYSTROPHY, LIMB-GIRDLE, AUTOSOMAL RECESSIVE 17. Identifiers: Orphanet 254361, MedGen C3150989, MONDO:0013390, OMIM 613723.
Epidermolysis bullosa simplex with nail dystrophy (EBS5D). Identifiers: MedGen C4225309, MONDO:0014661, OMIM 616487.

Submissions (2):

GeneDx
Classification: Uncertain significance. Last evaluated: 2025-06-24. Review status: criteria provided, single submitter. Criteria: GeneDx Variant Classification Process June 2021. Collection method: clinical testing. Allele origin: germline. Affected: yes.
Comment: Not observed at significant frequency in large population cohorts (gnomAD); In silico analysis supports that this missense variant has a deleterious effect on protein structure/function; Missense variant in a gene in which most reported pathogenic variants are truncating/loss of function; Has not been previously published as pathogenic or benign to our knowledge

Labcorp Genetics (formerly Invitae), Labcorp
Classification: Uncertain significance for Autosomal recessive limb-girdle muscular dystrophy type 2Q; Epidermolysis bullosa simplex, Ogna type; Epidermolysis bullosa simplex with nail dystrophy; Epidermolysis bullosa simplex 5C, with pyloric atresia; Epidermolysis bullosa simplex 5B, with muscular dystrophy. Last evaluated: 2022-02-21. Review status: criteria provided, single submitter. Criteria: Invitae Variant Classification Sherloc (09022015). Collection method: clinical testing. Allele origin: germline.
Comment: In summary, the available evidence is currently insufficient to determine the role of this variant in disease. Therefore, it has been classified as a Variant of Uncertain Significance. Algorithms developed to predict the effect of missense changes on protein structure and function are either unavailable or do not agree on the potential impact of this missense change (SIFT: "Deleterious"; PolyPhen-2: "Not Available"; Align-GVGD: "Class C0"). This variant has not been reported in the literature in individuals affected with PLEC-related conditions. This variant is not present in population databases (gnomAD no frequency). This sequence change replaces alanine, which is neutral and non-polar, with aspartic acid, which is acidic and polar, at codon 222 of the PLEC protein (p.Ala222Asp).